The following is an entry in ClinVar:

ClinVar aggregate classification (germline): Uncertain significance. Review status: criteria provided, multiple submitters, no conflicts (2 of 4 stars). 2 submissions from 2 submitters: Uncertain significance (2). Last evaluated 2025-01-04.

Conditions:
Familial thoracic aortic aneurysm and aortic dissection (TAAD). Also called: Thoracic aortic aneurysms and dissections. Identifiers: Orphanet 91387, MedGen C4707243, MONDO:0019625.
Aortic aneurysm, familial thoracic 7 (AAT7). Also called: AORTIC DISSECTION, FAMILIAL, WITH OR WITHOUT AORTIC ANEURYSM. Identifiers: MedGen C3151077, MONDO:0013418, OMIM 613780.

Allele frequency attached by ClinVar (database versions not stated): ExAC 0.00001; gnomAD 0.00001; TOPMed 0.00001.

Submissions (2):

Ambry Genetics
Classification: Uncertain significance for Familial thoracic aortic aneurysm and aortic dissection. Last evaluated: 2025-01-04. Review status: criteria provided, single submitter. Criteria: Ambry Variant Classification Scheme 2023. Collection method: clinical testing. Allele origin: germline.
Comment: The p.E653G variant (also known as c.1958A>G), located in coding exon 12 of the MYLK gene, results from an A to G substitution at nucleotide position 1958. The glutamic acid at codon 653 is replaced by glycine, an amino acid with similar properties. This amino acid position is conserved. In addition, the in silico prediction for this alteration is inconclusive. Based on the available evidence, the clinical significance of this variant remains unclear.

Labcorp Genetics (formerly Invitae), Labcorp
Classification: Uncertain significance for Aortic aneurysm, familial thoracic 7. Last evaluated: 2022-05-24. Review status: criteria provided, single submitter. Criteria: Invitae Variant Classification Sherloc (09022015). Collection method: clinical testing. Allele origin: germline.
Comment: In summary, the available evidence is currently insufficient to determine the role of this variant in disease. Therefore, it has been classified as a Variant of Uncertain Significance. Advanced modeling of protein sequence and biophysical properties (such as structural, functional, and spatial information, amino acid conservation, physicochemical variation, residue mobility, and thermodynamic stability) performed at Invitae indicates that this missense variant is not expected to disrupt MYLK protein function. This variant has not been reported in the literature in individuals affected with MYLK-related conditions. This variant is present in population databases (rs764652215, gnomAD 0.008%). This sequence change replaces glutamic acid, which is acidic and polar, with glycine, which is neutral and non-polar, at codon 653 of the MYLK protein (p.Glu653Gly).

NM_053025.4(MYLK):c.1958A>G (p.Glu653Gly)

Gene: MYLK (myosin light chain kinase; minus strand). Cytogenetic location: 3q21.1.
Variant type: single nucleotide variant.
Coding change: c.1958A>G on transcript NM_053025.4 (MANE Select); coding-DNA position 1958, A replaced by G.
Protein change: p.Glu653Gly; replaces glutamic acid 653 with glycine.
Molecular consequence: missense variant.
Genome position (GRCh38, 1-based): chr3:123,708,880, T>C on the plus strand (A>G on the coding strand, the complement: MYLK is on the minus strand). VCF-style: chr3-123708880-T-C. GRCh37 (hg19) VCF-style: chr3-123427727-T-C.
Other names: c.1430A>G, p.Glu477Gly (NM_001321309.2); c.1751A>G, p.Glu584Gly (NM_053026.4, NM_053028.4); c.1958A>G, p.Glu653Gly (NM_053027.4); c.1958A>G (NM_053025.3); short protein forms E477G, E584G, E653G.
Identifiers: ClinVar variation 2077310 (VCV002077310.5), dbSNP rs764652215, ClinGen allele CA067897.
Genomic context (GRCh38, chr3:123,708,880, plus strand): 5'-TGTTCAAAGTGGAAGTCCTCTGACTCTTGGATCTCATTCCCATTGTGCAGCCAGATGACT[T>C]CAGGGGGTGGATTCCCTGAACCAGGAGGAGGGGAAGGGGGATTGGTTAGGGAGGTCCTCC-3'
Protein context (NP_444253.3, residues 643-663): TVQVSGNPPP[Glu653Gly]VIWLHNGNEI